The following is an entry in ClinVar:

ClinVar aggregate classification (germline): Likely pathogenic. Review status: criteria provided, multiple submitters, no conflicts (2 of 4 stars). 2 submissions from 2 submitters: Likely pathogenic (2). Last evaluated 2024-04-19.

Conditions:
Leber congenital amaurosis (LCA). Also called: Leber's amaurosis. Identifiers: Orphanet 65, MedGen C0339527, MeSH D057130, MONDO:0018998.
Leber congenital amaurosis 2 (LCA2). Also called: AMAUROSIS CONGENITA OF LEBER II; Autosomal Recessive RPE65-Related Retinal Degeneration. Identifiers: Orphanet 65, MedGen C1859844, MONDO:0008765, OMIM 204100. Disease mechanism: loss of function.
Retinitis pigmentosa 20 (RP20). Identifiers: Orphanet 791, MedGen C3151086, MONDO:0013425, OMIM 613794.
Retinitis pigmentosa 87 with choroidal involvement. Identifiers: MedGen C5231465, MONDO:0032873, OMIM 618697.

Allele frequency attached by ClinVar (database versions not stated): gnomAD exomes below 0.00001.
gnomAD v4.1: 2 of 1,613,956 alleles (0.00012%); highest among the groups gnomAD compares: Non-Finnish European, 0.00017%; no homozygotes.

Submissions (2):

Fulgent Genetics
Classification: Likely pathogenic for Leber congenital amaurosis 2; Retinitis pigmentosa 20; Retinitis pigmentosa 87 with choroidal involvement. Last evaluated: 2024-04-19. Review status: criteria provided, single submitter. Criteria: ACMG Guidelines, 2015. Collection method: clinical testing. Allele origin: germline.

Women's Health and Genetics/Laboratory Corporation of America, LabCorp
Classification: Likely pathogenic for Leber congenital amaurosis. Last evaluated: 2024-04-19. Review status: criteria provided, single submitter. Criteria: LabCorp Variant Classification Summary - May 2015. Collection method: clinical testing. Allele origin: germline.
Comment: Variant summary: RPE65 c.540C>A (p.His180Gln) results in a non-conservative amino acid change in the encoded protein sequence, which affects an iron binding His residue (Takahashi_2005, Redmond_2005). Five of five in-silico tools predict a damaging effect of the variant on protein function. The variant was absent in 251156 control chromosomes (gnomAD v2.1). c.540C>A has been reported in the literature in a compound heterozygous individual affected with Leber Congenital Amaurosis (Khan_2014), who carried a pathogenic variant in trans. To our knowledge, no experimental evidence demonstrating an impact on protein function has been reported. However, publications reported experimental alanine mutagenesis of His residues which form the iron-binding pocket (His180, His241, His313, His527) of the protein, all abolished enzymatic activity (Takahashi_2005, Redmond_2005), supporting a critical role for these residues in protein function. The following publications have been ascertained in the context of this evaluation (PMID: 24997176, 16198348, 16150724). No submitters have cited clinical-significance assessments for this variant to ClinVar. Based on the evidence outlined above, the variant was classified as likely pathogenic.

Literature cited by the submitters: PubMed 24997176 (cited by Women's Health and Genetics/Laboratory Corporation of America, LabCorp); PubMed 16150724 (cited by Women's Health and Genetics/Laboratory Corporation of America, LabCorp); PubMed 16198348 (cited by Women's Health and Genetics/Laboratory Corporation of America, LabCorp).

NM_000329.3(RPE65):c.540C>A (p.His180Gln)

Gene: RPE65 (retinoid isomerohydrolase RPE65; minus strand). Cytogenetic location: 1p31.3.
Variant type: single nucleotide variant.
Coding change: c.540C>A on transcript NM_000329.3 (MANE Select); coding-DNA position 540, C replaced by A.
Protein change: p.His180Gln; replaces histidine 180 with glutamine.
Molecular consequence: missense variant.
Genome position (GRCh38, 1-based): chr1:68,440,956, G>T on the plus strand (C>A on the coding strand, the complement: RPE65 is on the minus strand). VCF-style: chr1-68440956-G-T. GRCh37 (hg19) VCF-style: chr1-68906639-G-T.
Other names: c.432C>A, p.His144Gln (NM_001406853.1); c.264C>A, p.His88Gln (NM_001406856.1, NM_001406857.1); c.540C>A, p.His180Gln (NM_001406859.1); short protein forms H144Q, H180Q, H88Q.
Identifiers: ClinVar variation 3251847 (VCV003251847.2), dbSNP rs2100821857.